The following is an entry in ClinVar:

ClinVar aggregate classification (germline): Benign/Likely benign. Review status: criteria provided, multiple submitters, no conflicts (2 of 4 stars). 5 submissions from 5 submitters: Benign (3); Likely benign (2). Last evaluated 2025-02-03.

Conditions:
Inborn genetic diseases. Identifiers: MedGen C0950123, MeSH D030342.

Allele frequency attached by ClinVar (database versions not stated): gnomAD 0.00002 and 0.00027; TOPMed 0.00007; ESP Exome Variant Server 0.00015; gnomAD exomes 0.00069 and 0.00132; 1000 Genomes Project 0.00140; ExAC 0.00159; 1000 Genomes Project 30x 0.00172.
gnomAD v4.1: 1,055 of 1,614,102 alleles (0.065%); highest among the groups gnomAD compares: South Asian, 1.1%; 19 homozygotes.

Submissions (5):

Labcorp Genetics (formerly Invitae), Labcorp
Classification: Benign. Last evaluated: 2025-02-03. Review status: criteria provided, single submitter. Criteria: Invitae Variant Classification Sherloc (09022015). Collection method: clinical testing. Allele origin: germline.

Mayo Clinic Laboratories, Mayo Clinic
Classification: Benign. Last evaluated: 2024-12-26. Review status: criteria provided, single submitter. Criteria: ACMG Guidelines, 2015. Collection method: clinical testing. Allele origin: germline. Observed: 2 variant alleles.
Comment: BS1, BS2, BP4, BP7

Ambry Genetics
Classification: Likely benign for Inborn genetic diseases. Last evaluated: 2023-06-27. Review status: criteria provided, single submitter. Criteria: Ambry Variant Classification Scheme 2023. Collection method: clinical testing. Allele origin: germline.

Athena Diagnostics
Classification: Benign. Last evaluated: 2019-07-24. Review status: criteria provided, single submitter. Criteria: Athena Diagnostics Criteria. Collection method: clinical testing. Allele origin: germline.

GeneDx
Classification: Likely benign. Last evaluated: 2018-09-16. Review status: criteria provided, single submitter. Criteria: GeneDx Variant Classification Process June 2021. Collection method: clinical testing. Allele origin: germline. Affected: yes.
Comment: This variant is associated with the following publications: (PMID: 31409571)

Literature cited by the submitters: PubMed 31409571 (cited by Mayo Clinic Laboratories, Mayo Clinic); PubMed 20558392 (cited by Athena Diagnostics); PubMed 16500134 (cited by Athena Diagnostics).

NM_004562.3(PRKN):c.816C>T (p.Leu272=)

Gene: PRKN (parkin RBR E3 ubiquitin protein ligase; minus strand). Cytogenetic location: 6q26.
Variant type: single nucleotide variant.
Coding change: c.816C>T on transcript NM_004562.3 (MANE Select); coding-DNA position 816, C replaced by T.
Protein change: p.Leu272=; no amino-acid change (leucine 272 retained).
Molecular consequence: synonymous variant.
Genome position (GRCh38, 1-based): chr6:161,785,827, G>A on the plus strand (C>T on the coding strand, the complement: PRKN is on the minus strand). VCF-style: chr6-161785827-G-A. GRCh37 (hg19) VCF-style: chr6-162206859-G-A.
Other names: p.Leu272=; c.732C>T, p.Leu244= (NM_013987.3); c.369C>T, p.Leu123= (NM_013988.3).
Identifiers: ClinVar variation 415530 (VCV000415530.17), dbSNP rs143902760, ClinGen allele CA4090214.